The following is an entry in ClinVar:

NM_032382.5(COG8):c.1687_1688del (p.Phe563fs)

Genes: COG8 (component of oligomeric golgi complex 8; minus strand), LOC130059304 (ATAC-STARR-seq lymphoblastoid silent region 7657; plus strand). Cytogenetic location: 16q22.1.
Variant type: Deletion.
Coding change: c.1687_1688del on transcript NM_032382.5 (MANE Select); coding-DNA positions 1687 to 1688, 2 bases deleted (TT; older notation c.1687_1688delTT).
Protein change: p.Phe563fs; shifts the reading frame from phenylalanine 563.
Molecular consequence: frameshift variant. On other transcripts: intron variant (2).
Genome position (GRCh38, 1-based): chr16:69,330,990-69,330,991, AA deleted on the plus strand (TT on the coding strand, the reverse complement: COG8 is on the minus strand); deleting any 2 consecutive bases within chr16:69,330,990-69,330,993 gives the same sequence; the c. name uses the placement nearest the transcript's 3' end. VCF-style (leftmost placement, unchanged base first): chr16-69330989-GAA-G. GRCh37 (hg19) VCF-style: chr16-69364892-GAA-G.
Other names: c.1687_1688delTT (NM_032382.4); c.1828_1829del, p.Phe610fs (NM_001379261.1); c.1687_1688del, p.Phe563fs (NM_001379262.1, NM_001379264.1); c.1726_1727del, p.Phe576fs (NM_001379263.1); c.1414-1812_1414-1811del (NM_001379266.1); c.1582+1723_1582+1724del (NM_001379265.1); short protein forms F563fs, F576fs, F610fs.
Identifiers: ClinVar variation 3649 (VCV000003649.6), dbSNP rs766244312, ClinGen allele CA8133618.

ClinVar aggregate classification (germline): Likely pathogenic. Review status: criteria provided, multiple submitters, no conflicts (2 of 4 stars). 4 submissions from 4 submitters: Likely pathogenic (3). 1 of the submissions does not count toward it. Last evaluated 2025-11-19.

Conditions:
COG8-related disorder. Also called: COG8-related condition.
COG8-congenital disorder of glycosylation. Also called: CDG IIh; COG8-CDG. Identifiers: Orphanet 95428, MedGen C1970021, MONDO:0012635, OMIM 611182.

Submissions (4):

Dasa
Classification: Likely pathogenic for COG8-congenital disorder of glycosylation. Last evaluated: 2025-11-19. Review status: criteria provided, single submitter. Criteria: DASA Assertion Criteria. Collection method: clinical testing. Allele origin: germline.
Comment: NM_032382.5(COG8):c.1687_1688del (p.Phe563Hisfs*4) is a frameshift variant in COG8 predicted to alter the reading frame and introduce a premature termination codon and is predicted to result in an absent or altered protein product. Loss of function is an established disease mechanism for COG8-associated disorders. This variant has been recurrently observed in individuals with COG8-related disorders (PMID: 21811164; PMID: 17331980). Also, this variant is rare in population databases. Based on the currently available evidence, this variant is classified as likely pathogenic.

PreventionGenetics, part of Exact Sciences
Classification: Likely pathogenic for COG8-related condition. Last evaluated: 2023-07-03. Review status: criteria provided, single submitter. Criteria: ACMG Guidelines, 2015. Collection method: clinical testing. Allele origin: germline.
Comment: The COG8 c.1687_1688delTT variant is predicted to result in a frameshift and premature protein termination (p.Phe563Hisfs*4). This variant in the compound heterozygous condition along with a second variant in this gene was reported in one individua with congenital disorder of glycosylation type IIh (Kranz. 2007. PubMed ID: 17331980). This variant is reported in 0.0028% of alleles in individuals of European (Non-Finnish) descent in gnomAD. Frameshift variants in COG8 are expected to be pathogenic. This variant is interpreted as likely pathogenic.

Women's Health and Genetics/Laboratory Corporation of America, LabCorp
Classification: Likely pathogenic for COG8-congenital disorder of glycosylation. Last evaluated: 2022-02-03. Review status: criteria provided, single submitter. Criteria: LabCorp Variant Classification Summary - May 2015. Collection method: clinical testing. Allele origin: germline.
Comment: Variant summary: COG8 c.1687_1688delTT (p.Phe563HisfsX4) results in a premature termination codon, predicted to cause a truncation of the encoded protein or absence of the protein due to nonsense mediated decay, which are commonly known mechanisms for disease. A different variant (p.Glu560AspfsX7) that leads to a premature termination codon at the same position (i.e. codon 567) has been reported in a compound heterozygous individual referred for CDG testing (PMID 23806237). The variant allele was found at a frequency of 1.7e-05 in 237670 control chromosomes (gnomAD). c.1687_1688delTT has been reported in a compound heterozygous individual affected with Congenital Disorder Of Glycosylation Type 2H (Kranz_2007). To our knowledge, no experimental evidence demonstrating an impact on protein function has been reported. No clinical diagnostic laboratories have submitted clinical-significance assessments for this variant to ClinVar after 2014. Based on the evidence outlined above, the variant was classified as likely pathogenic.

OMIM
Classification: Pathogenic for CONGENITAL DISORDER OF GLYCOSYLATION, TYPE IIh. Last evaluated: 2007-04-01. Review status: no assertion criteria provided. Collection method: literature only. Allele origin: germline. Not counted in ClinVar's aggregate classification.

Literature cited by the submitters: PubMed 21811164 (cited by Dasa and Women's Health and Genetics/Laboratory Corporation of America, LabCorp); PubMed 17331980 (cited by 3 submitters).